The following is an entry in ClinVar:

NM_181458.4(PAX3):c.811C>T (p.Arg271Cys)

Gene: PAX3 (paired box 3; minus strand). Cytogenetic location: 2q36.1.
Variant type: single nucleotide variant.
Coding change: c.811C>T on transcript NM_181458.4 (MANE Select); coding-DNA position 811, C replaced by T.
Protein change: p.Arg271Cys; replaces arginine 271 with cysteine.
Molecular consequence: missense variant.
Genome position (GRCh38, 1-based): chr2:222,221,369, G>A on the plus strand (C>T on the coding strand, the complement: PAX3 is on the minus strand). VCF-style: chr2-222221369-G-A. GRCh37 (hg19) VCF-style: chr2-223086088-G-A.
Other names: c.808C>T, p.Arg270Cys (NM_001127366.3); c.811C>T, p.Arg271Cys (NM_181457.4, NM_181459.4, NM_181460.4 and 1 more transcripts); short protein forms R271C, R270C.
Identifiers: ClinVar variation 547748 (VCV000547748.13), dbSNP rs1380858784, ClinGen allele CA351116731.

ClinVar aggregate classification (germline): Pathogenic. Review status: criteria provided, multiple submitters, no conflicts (2 of 4 stars). 8 submissions from 8 submitters: Pathogenic (8). Last evaluated 2025-12-19.

Conditions:
Waardenburg syndrome type 1 (WS1). Also called: WAARDENBURG SYNDROME WITH DYSTOPIA CANTHORUM; Waardenburg Syndrome Type I. Identifiers: Orphanet 894, MedGen C1847800, MONDO:0008670, OMIM 193500.
PAX3-related disorder. Also called: PAX3-related condition.
Waardenburg syndrome. Also called: Waardenburg's syndrome. Identifiers: Orphanet 3440, MedGen C3266898, MONDO:0018094.
Inborn genetic diseases. Identifiers: MedGen C0950123, MeSH D030342.

Allele frequency attached by ClinVar (database versions not stated): gnomAD exomes below 0.00001.
gnomAD v4.1: 2 of 1,613,880 alleles (0.00012%); highest among the groups gnomAD compares: Non-Finnish European, 0.00017%; no homozygotes.

Submissions (8):

Labcorp Genetics (formerly Invitae), Labcorp
Classification: Pathogenic. Last evaluated: 2025-12-19. Review status: criteria provided, single submitter. Criteria: Invitae Variant Classification Sherloc (09022015). Collection method: clinical testing. Allele origin: germline.
Comment: This sequence change replaces arginine, which is basic and polar, with cysteine, which is neutral and slightly polar, at codon 271 of the PAX3 protein (p.Arg271Cys). This variant is not present in population databases (gnomAD no frequency). This missense change has been observed in individual(s) with autosomal dominate Waardenburg syndrome (PMID: 8589691, 8799378, 9654197, 20199465). In at least one individual the variant was observed to be de novo. ClinVar contains an entry for this variant (Variation ID: 547748). Invitae Evidence Modeling of protein sequence and biophysical properties (such as structural, functional, and spatial information, amino acid conservation, physicochemical variation, residue mobility, and thermodynamic stability) indicates that this missense variant is expected to disrupt PAX3 protein function with a positive predictive value of 80%. This variant disrupts the p.Arg271 amino acid residue in PAX3. Other variant(s) that disrupt this residue have been observed in individuals with PAX3-related conditions (PMID: 8589691, 9654197), which suggests that this may be a clinically significant amino acid residue. For these reasons, this variant has been classified as Pathogenic.

Ambry Genetics
Classification: Pathogenic for Inborn genetic diseases. Last evaluated: 2025-10-23. Review status: criteria provided, single submitter. Criteria: Ambry Variant Classification Scheme 2023. Collection method: clinical testing. Allele origin: germline.
Comment: The c.811C>T (p.R271C) alteration is located in exon 6 (coding exon 6) of the PAX3 gene. This alteration results from a C to T substitution at nucleotide position 811, causing the arginine (R) at amino acid position 271 to be replaced by a cysteine (C). This variant was not reported in population-based cohorts in the Genome Aggregation Database (gnomAD). This variant was reported in individual(s) with features consistent with PAX3-related Waardenburg syndrome; in at least one individual, it was determined to be de novo (Tassabehji, 1995; Wildhardt, 1996; Morell, 1997; Yuan, 2020; Eigelshoven, 2009; Lin, 2023). This amino acid position is highly conserved in available vertebrate species. This alteration is predicted to be deleterious by in silico analysis. Based on the available evidence, this alteration is classified as pathogenic.

3billion
Classification: Pathogenic for Waardenburg syndrome type 1. Last evaluated: 2025-08-20. Review status: criteria provided, single submitter. Criteria: ACMG Guidelines, 2015. Collection method: clinical testing. Allele origin: germline. Affected: yes.
Comment: The variant is observed at an extremely low frequency in the gnomAD v4.1.0 dataset (total allele frequency: <0.001%). Predicted Consequence/Location: The variant is located in a mutational hot spot and/or well-established functional domain in which established pathogenic variants have been reported. In silico tool predictions suggest damaging effect of the variant on gene or gene product [REVEL: 0.90 (>=0.6, sensitivity 0.68 and specificity 0.92); 3Cnet: 0.88 (> 0.75, sensitivity 0.96 and precision 0.92)]. The same nucleotide change resulting in the same amino acid change has been previously reported as pathogenic/likely pathogenic with strong evidence (ClinVar ID: VCV000547748 /PMID: 8589691). Different missense changes at the same codon (p.Arg271Gly, p.Arg271His) have been reported as pathogenic/likely pathogenic with strong evidence (ClinVar ID: VCV000279964 /PMID: 7825605, 8589691 /3billion dataset). Therefore, this variant is classified as Pathogenic according to the recommendation of ACMG/AMP guideline.

Center for Statistical Genetics, Columbia University
Classification: Pathogenic for Waardenburg syndrome. Last evaluated: 2024-11-08. Review status: criteria provided, single submitter. Criteria: ACMG Guidelines, 2015. Collection method: research. Allele origin: germline. Inheritance: Autosomal dominant inheritance. Affected: yes. Observed: 5 heterozygotes.

Blueprint Genetics
Classification: Pathogenic for PAX3-related disorders. Last evaluated: 2021-09-03. Review status: criteria provided, single submitter. Criteria: ACMG Guidelines, 2015. Collection method: clinical testing. Allele origin: germline. Affected: yes. Observed: 1 variant allele.

Baylor Genetics
Classification: Pathogenic for Waardenburg syndrome type 1. Last evaluated: 2019-12-06. Review status: criteria provided, single submitter. Criteria: ACMG Guidelines, 2015. Collection method: clinical testing. Allele origin: unknown. Affected: yes.
Comment: This variant was determined to be pathogenic according to ACMG Guidelines, 2015 [PMID:25741868].

Genetic Testing Center for Deafness, Department of Otolaryngology Head & Neck Surgery, Institute of Otolaryngology, Chinese PLA General Hospital
Classification: Pathogenic for Waardenburg syndrome type 1. Last evaluated: 2019-01-01. Review status: criteria provided, single submitter. Criteria: ACMG Guidelines, 2015. Collection method: clinical testing. Allele origin: inherited. Affected: yes.

Center for Human Genetics, Inc
Classification: Pathogenic for Waardenburg syndrome type 1. Last evaluated: 2016-11-01. Review status: criteria provided, single submitter. Criteria: ACMG Guidelines, 2015. Collection method: clinical testing. Allele origin: germline. Affected: yes.

Literature cited by the submitters: PubMed 8589691 (cited by 3 submitters); PubMed 8799378 (cited by Labcorp Genetics (formerly Invitae), Labcorp and Ambry Genetics); PubMed 9654197 (cited by Labcorp Genetics (formerly Invitae), Labcorp); PubMed 20199465 (cited by Labcorp Genetics (formerly Invitae), Labcorp and Ambry Genetics); PubMed 9192262 (cited by Ambry Genetics); PubMed 31541171 (cited by Ambry Genetics); PubMed 34142234 (cited by Ambry Genetics); PubMed 36756824 (cited by Ambry Genetics); PubMed 7825605 (cited by 3billion).